The following is an entry in ClinVar:

NM_020822.3(KCNT1):c.855-43A>G

Gene: KCNT1 (potassium sodium-activated channel subfamily T member 1; plus strand). Cytogenetic location: 9q34.3.
Variant type: single nucleotide variant.
Coding change: c.855-43A>G on transcript NM_020822.3 (MANE Select); 43 bases into the intron before coding-DNA position 855, A replaced by G.
Molecular consequence: intron variant.
Genome position (GRCh38, 1-based): chr9:135,759,636, A>G. VCF-style: chr9-135759636-A-G. GRCh37 (hg19) VCF-style: chr9-138651482-A-G.
Other names: c.711-34A>G (NM_001272003.2).
Identifiers: ClinVar variation 670434 (VCV000670434.4), dbSNP rs58690674, ClinGen allele CA5326692.

ClinVar aggregate classification (germline): Benign. Review status: criteria provided, multiple submitters, no conflicts (2 of 4 stars). 3 submissions from 3 submitters: Benign (3). Last evaluated 2024-07-15.

Allele frequency attached by ClinVar (database versions not stated): gnomAD exomes 0.08668 and 0.10644; ESP Exome Variant Server 0.09917; gnomAD 0.10517 and 0.10722; ExAC 0.10803; TOPMed 0.11439; 1000 Genomes Project 30x 0.15319; 1000 Genomes Project 0.15635.
gnomAD v4.1: 137,893 of 1,550,566 alleles (8.9%); highest among the groups gnomAD compares: East Asian, 25%; 7,225 homozygotes.

Submissions (3):

Unidad de Genómica Garrahan, Hospital de Pediatría Garrahan
Classification: Benign. Last evaluated: 2024-07-15. Review status: criteria provided, single submitter. Criteria: ACMG Guidelines, 2015. Collection method: clinical testing. Allele origin: germline. Affected: no. Observed: 20 variant alleles.
Comment: This variant is classified as Benign based on local population frequency. This variant was detected in 22% of patients studied in a panel designed for Epileptic and Developmental Encephalopathy and Progressive Myoclonus Epilepsy. Number of patients: 20. Only high quality variants are reported.

GeneDx
Classification: Benign. Last evaluated: 2018-06-14. Review status: criteria provided, single submitter. Criteria: GeneDx Variant Classification (06012015). Collection method: clinical testing. Allele origin: germline. Affected: yes.
Comment: This variant is considered likely benign or benign based on one or more of the following criteria: it is a conservative change, it occurs at a poorly conserved position in the protein, it is predicted to be benign by multiple in silico algorithms, and/or has population frequency not consistent with disease.

Breakthrough Genomics
Classification: Benign. Review status: criteria provided, single submitter. Criteria: ACMG Guidelines, 2015. Collection method: not provided. Allele origin: germline. Inheritance: Autosomal dominant inheritance. Affected: yes.